The following is an entry in ClinVar:

ClinVar aggregate classification (germline): Likely pathogenic (1 of 4 stars; one submission).

Conditions:
Hermansky-Pudlak syndrome (HPS). Also called: ALBINISM WITH HEMORRHAGIC DIATHESIS AND PIGMENTED RETICULOENDOTHELIAL CELLS. Identifiers: Orphanet 79430, MedGen C0079504, MONDO:0019312.

Submission:

Natera, Inc.
Classification: Likely pathogenic for Hermansky-Pudlak syndrome. Last evaluated: 2025-10-23. Review status: criteria provided, single submitter. Criteria: Natera Variant Classification Schema (03/2026). Collection method: clinical testing. Allele origin: germline.
Comment: The c.1378A>T variant in HPS3 is a nonsense variant predicted to introduce a stop codon at amino acid 460. This variant is expected to result in nonsense mediated decay, truncation, or a dysfunctional protein product. This variant is rare in the general population with a frequency below the threshold expected for the associated phenotype(s). Given the available evidence, this variant is classified as Likely Pathogenic.

NM_032383.5(HPS3):c.1378A>T (p.Arg460Ter)

Gene: HPS3 (HPS3 biogenesis of lysosomal organelles complex 2 subunit 1; plus strand). Cytogenetic location: 3q24.
Variant type: single nucleotide variant.
Coding change: c.1378A>T on transcript NM_032383.5 (MANE Select); coding-DNA position 1378, A replaced by T.
Protein change: p.Arg460Ter; replaces arginine 460 with a stop codon.
Molecular consequence: nonsense.
Genome position (GRCh38, 1-based): chr3:149,153,626, A>T. VCF-style: chr3-149153626-A-T. GRCh37 (hg19) VCF-style: chr3-148871413-A-T.
Other names: c.883A>T, p.Arg295Ter (NM_001308258.2); short protein forms R295*, R460*.
Identifiers: ClinVar variation 4816321 (VCV004816321.1).